The following is an entry in ClinVar:

ClinVar aggregate classification (germline): Uncertain significance (1 of 4 stars; one submission).

Conditions:
Renal cell carcinoma. Identifiers: Orphanet 217071, MedGen C0007134, MeSH D002292, MONDO:0005086, HP:0005584.

Submission:

Labcorp Genetics (formerly Invitae), Labcorp
Classification: Uncertain significance for Renal cell carcinoma. Last evaluated: 2022-08-05. Review status: criteria provided, single submitter. Criteria: Invitae Variant Classification Sherloc (09022015). Collection method: clinical testing. Allele origin: germline.
Comment: In summary, the available evidence is currently insufficient to determine the role of this variant in disease. Therefore, it has been classified as a Variant of Uncertain Significance. This sequence change replaces valine, which is neutral and non-polar, with aspartic acid, which is acidic and polar, at codon 322 of the MET protein (p.Val322Asp). This variant is not present in population databases (gnomAD no frequency). This variant has not been reported in the literature in individuals affected with MET-related conditions. Algorithms developed to predict the effect of missense changes on protein structure and function are either unavailable or do not agree on the potential impact of this missense change (SIFT: "Deleterious"; PolyPhen-2: "Probably Damaging"; Align-GVGD: "Class C0").

NM_000245.4(MET):c.965T>A (p.Val322Asp)

Gene: MET (MET proto-oncogene, receptor tyrosine kinase; plus strand). Cytogenetic location: 7q31.2.
Variant type: single nucleotide variant.
Coding change: c.965T>A on transcript NM_000245.4 (MANE Select); coding-DNA position 965, T replaced by A.
Protein change: p.Val322Asp; replaces valine 322 with aspartic acid.
Molecular consequence: missense variant. On other transcripts: intron variant (1).
Genome position (GRCh38, 1-based): chr7:116,700,049, T>A. VCF-style: chr7-116700049-T-A. GRCh37 (hg19) VCF-style: chr7-116340103-T-A.
Other names: c.965T>A, p.Val322Asp (NM_001127500.3, NM_001324401.3); c.-91+27472T>A (NM_001324402.2); short protein forms V322D.
Identifiers: ClinVar variation 1715208 (VCV001715208.5), dbSNP rs1306040798, ClinGen allele CA368970247.